The following is an entry in ClinVar:

NM_130466.4(UBE3B):c.313_324del (p.Ser105_Asp108del)

Gene: UBE3B (ubiquitin protein ligase E3B; plus strand). Cytogenetic location: 12q24.11.
Variant type: Deletion.
Coding change: c.313_324del on transcript NM_130466.4 (MANE Select); coding-DNA positions 313 to 324, 12 bases deleted (AGCAGCATGGAT).
Protein change: p.Ser105_Asp108del.
Molecular consequence: inframe deletion.
Genome position (GRCh38, 1-based): chr12:109,486,042-109,486,053, AGCAGCATGGAT deleted. VCF-style (leftmost placement, unchanged base first): chr12-109486041-GAGCAGCATGGAT-G. GRCh37 (hg19) VCF-style: chr12-109923846-GAGCAGCATGGAT-G.
Other names: c.313_324del, p.Ser105_Asp108del (NM_001270449.2, NM_001270450.2, NM_001270451.2 and 1 more transcripts).
Identifiers: ClinVar variation 1961231 (VCV001961231.4), dbSNP rs746624505, ClinGen allele CA6777444.
Genomic context (GRCh38, chr12:109,486,041, plus strand): 5'-AATGTATAACCCCCAGTGTGTCTCTTTGCAGAGATTTGAGAAGTTGTGTCGCAGCATCCT[GAGCAGCATGGAT>G]GCTGAGAATGAGCCTAAGGTAAGTGGACGGGAGCCGCAGTGTCTCCCACAAGCTCTTAAG-3'

ClinVar aggregate classification (germline): Uncertain significance (1 of 4 stars; one submission).

Allele frequency attached by ClinVar (database versions not stated): gnomAD 0.00001; gnomAD exomes 0.00002; TOPMed 0.00003.

Submission:

Labcorp Genetics (formerly Invitae), Labcorp
Classification: Uncertain significance. Last evaluated: 2023-02-20. Review status: criteria provided, single submitter. Criteria: Invitae Variant Classification Sherloc (09022015). Collection method: clinical testing. Allele origin: germline.
Comment: This variant, c.313_324del, results in the deletion of 4 amino acid(s) of the UBE3B protein (p.Ser105_Asp108del), but otherwise preserves the integrity of the reading frame. In summary, the available evidence is currently insufficient to determine the role of this variant in disease. Therefore, it has been classified as a Variant of Uncertain Significance. Experimental studies and prediction algorithms are not available or were not evaluated, and the functional significance of this variant is currently unknown. This variant has not been reported in the literature in individuals affected with UBE3B-related conditions. The frequency data for this variant in the population databases is considered unreliable, as metrics indicate poor data quality at this position in the gnomAD database.